The following is an entry in ClinVar:

NM_000135.4(FANCA):c.1826+2T>A

Gene: FANCA (FA complementation group A; minus strand). Cytogenetic location: 16q24.3.
Variant type: single nucleotide variant.
Coding change: c.1826+2T>A on transcript NM_000135.4 (MANE Select); the canonical splice donor site of the intron after coding-DNA position 1826, T replaced by A.
Molecular consequence: splice donor variant.
Genome position (GRCh38, 1-based): chr16:89,778,799, A>T on the plus strand (T>A on the coding strand, the complement: FANCA is on the minus strand). VCF-style: chr16-89778799-A-T. GRCh37 (hg19) VCF-style: chr16-89845207-A-T.
Other names: c.1826+2T>A (NM_001286167.3).
Identifiers: ClinVar variation 862281 (VCV000862281.9), dbSNP rs2039603867, ClinGen allele CA397454265.
Genomic context (GRCh38, chr16:89,778,799, plus strand): 5'-ATTCTTCGCATTGTCAGAAGAAACCTGGAAGTAGTCATCCCCTTCTAACCGTTGCTGCAT[A>T]CCTCTTCAGAGACTCTATAAACGCCACACGGGAGTCAGGGACTTTGGGGAGCTGTGGGAA-3'

ClinVar aggregate classification (germline): Likely pathogenic. Review status: criteria provided, multiple submitters, no conflicts (2 of 4 stars). 2 submissions from 2 submitters: Likely pathogenic (2). Last evaluated 2025-05-23.

Conditions:
Fanconi anemia (FA). Also called: Fanconi's anemia. Identifiers: Orphanet 84, MedGen C0015625, MeSH D005199, MONDO:0019391.
Fanconi anemia complementation group A (FANCA). Also called: Fanconi anemia, group A; FANCA-Related Fanconi Anemia. Identifiers: Orphanet 84, MedGen C3469521, MONDO:0009215, OMIM 227650.

Submissions (2):

Myriad Genetics, Inc.
Classification: Likely pathogenic for Fanconi anemia complementation group A. Last evaluated: 2025-05-23. Review status: criteria provided, single submitter. Criteria: Myriad Autosomal Dominant, Autosomal Recessive and X-Linked Classification Criteria (2023). Collection method: clinical testing. Allele origin: unknown.
Comment: NM_000135.2(FANCA):c.1826+2T>A is a variant in a canonical splice site classified as likely pathogenic in the context of Fanconi anemia complementation group A. c.1826+2T>A has not been observed in cases with relevant disease. Relevant functional assessments of this variant are not available in the literature. c.1826+2T>A has not been observed in referenced population frequency databases. In summary, NM_000135.2(FANCA):c.1826+2T>A is a variant in a canonical splice site in a gene where loss of function is a known mechanism of disease and is predicted to disrupt protein function. Please note: this variant was assessed in the context of healthy population screening.

Labcorp Genetics (formerly Invitae), Labcorp
Classification: Likely pathogenic for Fanconi anemia. Last evaluated: 2020-01-08. Review status: criteria provided, single submitter. Criteria: Invitae Variant Classification Sherloc (09022015). Collection method: clinical testing. Allele origin: germline.
Comment: This sequence change affects a donor splice site in intron 20 of the FANCA gene. It is expected to disrupt RNA splicing and likely results in an absent or disrupted protein product. In summary, the currently available evidence indicates that the variant is pathogenic, but additional data are needed to prove that conclusively. Therefore, this variant has been classified as Likely Pathogenic. Donor and acceptor splice site variants typically lead to a loss of protein function (PMID: 16199547), and loss-of-function variants in FANCA are known to be pathogenic (PMID: 19367192). This variant has not been reported in the literature in individuals with FANCA-related conditions. This variant is not present in population databases (ExAC no frequency).

Literature cited by the submitters: PubMed 16199547 (cited by Labcorp Genetics (formerly Invitae), Labcorp); PubMed 19367192 (cited by Labcorp Genetics (formerly Invitae), Labcorp).